The following is an entry in ClinVar:

ClinVar aggregate classification (germline): Likely pathogenic (1 of 4 stars; one submission).

Conditions:
ARID2-Coffin-Siris like disorder.

Submission:

Dasa
Classification: Likely pathogenic for ARID2-Coffin-Siris like disorder. Last evaluated: 2025-02-27. Review status: criteria provided, single submitter. Criteria: DASA Assertion Criteria. Collection method: clinical testing. Allele origin: germline.
Comment: NM_152641.4(ARID2):c.5189_5198del (p.Gln1730Leufs*2) is a frameshift variant in ARID2 predicted to alter the reading frame and introduce a premature termination codon and is predicted to result in an absent or altered protein product. Loss of function is an established disease mechanism for ARID2 (PMID: 29698805; PMID: 26238514; PMID: 28124119). Also, this variant is absent from population databases. Based on the currently available evidence, this variant is classified as likely pathogenic.

Literature cited by the submitters: PubMed 29698805; PubMed 26238514; PubMed 28124119.

NM_152641.4(ARID2):c.5189_5198del (p.Gln1730fs)

Gene: ARID2 (AT-rich interaction domain 2; plus strand). Cytogenetic location: 12q12.
Variant type: Deletion.
Coding change: c.5189_5198del on transcript NM_152641.4 (MANE Select); coding-DNA positions 5189 to 5198, 10 bases deleted (AAAAGGCCAT; older notation c.5189_5198delAAAAGGCCAT).
Protein change: p.Gln1730fs; shifts the reading frame from glutamine 1730.
Molecular consequence: frameshift variant.
Genome position (GRCh38, 1-based): chr12:45,893,461-45,893,470, AAAAGGCCAT deleted. VCF-style (leftmost placement, unchanged base first): chr12-45893460-CAAAAGGCCAT-C. GRCh37 (hg19) VCF-style: chr12-46287243-CAAAAGGCCAT-C.
Other names: c.5189_5198del, p.Gln1730fs (NM_001347839.2); short protein forms Q1730fs.
Identifiers: ClinVar variation 4880791 (VCV004880791.2).
Genomic context (GRCh38, chr12:45,893,460, plus strand): 5'-TCTCTCTCTGATCAATTTAGGCAGCCAACTGTAGGGGGCACAAGCTCAACTCCTAGAGCA[CAAAAGGCCAT>C]TGTGAATCATCCCAGTGCTGCACTTATGGCTCTGAGGAGAGGATCAAGAAACCTTGTCTT-3'